The following is an entry in ClinVar:

ClinVar aggregate classification (germline): Uncertain significance (1 of 4 stars; one submission).

Submission:

Ambry Genetics
Classification: Uncertain significance. Last evaluated: 2024-02-25. Review status: criteria provided, single submitter. Criteria: Ambry Variant Classification Scheme 2023. Collection method: clinical testing. Allele origin: germline.
Comment: The p.P448A variant (also known as c.1342C>G), located in coding exon 13 of the NPAT gene, results from a C to G substitution at nucleotide position 1342. The proline at codon 448 is replaced by alanine, an amino acid with highly similar properties. This amino acid position is conserved. In addition, this alteration is predicted to be tolerated by in silico analysis. Based on the available evidence, the clinical significance of this alteration remains unclear.

NM_002519.3(NPAT):c.1342C>G (p.Pro448Ala)

Gene: NPAT (nuclear protein, coactivator of histone transcription; minus strand). Cytogenetic location: 11q22.3.
Variant type: single nucleotide variant.
Coding change: c.1342C>G on transcript NM_002519.3 (MANE Select); coding-DNA position 1342, C replaced by G.
Protein change: p.Pro448Ala; replaces proline 448 with alanine.
Molecular consequence: missense variant.
Genome position (GRCh38, 1-based): chr11:108,173,642, G>C on the plus strand (C>G on the coding strand, the complement: NPAT is on the minus strand). VCF-style: chr11-108173642-G-C. GRCh37 (hg19) VCF-style: chr11-108044369-G-C.
Other names: c.1342C>G, p.Pro448Ala (NM_001321307.1); short protein forms P448A.
Identifiers: ClinVar variation 3222461 (VCV003222461.1), dbSNP rs2496721659, ClinGen allele CA382515550.